The following is an entry in ClinVar:

NM_001292063.2(OTOG):c.8262C>T (p.Phe2754=)

Gene: OTOG (otogelin; plus strand). Cytogenetic location: 11p15.1.
Variant type: single nucleotide variant.
Coding change: c.8262C>T on transcript NM_001292063.2 (MANE Select); coding-DNA position 8262, C replaced by T.
Protein change: p.Phe2754=; no amino-acid change (phenylalanine 2754 retained).
Molecular consequence: synonymous variant.
Genome position (GRCh38, 1-based): chr11:17,641,918, C>T. VCF-style: chr11-17641918-C-T. GRCh37 (hg19) VCF-style: chr11-17663465-C-T.
Other names: p.Phe2766=; c.8298C>T, p.Phe2766= (NM_001277269.2).
Identifiers: ClinVar variation 226918 (VCV000226918.17), dbSNP rs61730948, ClinGen allele CA5906260.

ClinVar aggregate classification (germline): Benign. Review status: criteria provided, multiple submitters, no conflicts (2 of 4 stars). 5 submissions from 5 submitters: Benign (5). Last evaluated 2026-01-27.

Allele frequency attached by ClinVar (database versions not stated): gnomAD exomes 0.00212 and 0.00434; ExAC 0.00439; gnomAD 0.02062 and 0.02228; 1000 Genomes Project 0.02276; TOPMed 0.02325; 1000 Genomes Project 30x 0.02358.
gnomAD v4.1: 6,272 of 1,550,294 alleles (0.4%); highest among the groups gnomAD compares: African/African-American, 7.3%; 223 homozygotes.

Submissions (5):

Labcorp Genetics (formerly Invitae), Labcorp
Classification: Benign. Last evaluated: 2026-01-27. Review status: criteria provided, single submitter. Criteria: Invitae Variant Classification Sherloc (09022015). Collection method: clinical testing. Allele origin: germline.

Mayo Clinic Laboratories, Mayo Clinic
Classification: Benign. Last evaluated: 2022-04-17. Review status: criteria provided, single submitter. Criteria: ACMG Guidelines, 2015. Collection method: clinical testing. Allele origin: germline. Observed: 3 variant alleles.

GeneDx
Classification: Benign. Last evaluated: 2018-04-10. Review status: criteria provided, single submitter. Criteria: GeneDx Variant Classification (06012015). Collection method: clinical testing. Allele origin: germline. Affected: yes.
Comment: This variant is considered likely benign or benign based on one or more of the following criteria: it is a conservative change, it occurs at a poorly conserved position in the protein, it is predicted to be benign by multiple in silico algorithms, and/or has population frequency not consistent with disease.

Laboratory for Molecular Medicine, Mass General Brigham Personalized Medicine
Classification: Benign. Last evaluated: 2014-11-24. Review status: criteria provided, single submitter. Criteria: LMM Criteria. Collection method: clinical testing. Allele origin: germline. Observed: 13 variant alleles.
Comment: Phe2766Phe in exon 51 of OTOG: This variant is not expected to have clinical sig nificance because it does not alter an amino acid residue and is not located wit hin the splice consensus sequence. It has been identified in 11.9% (23/194) of L uhya (Kenyan) chromosomes from a broad population by the 1000 Genomes Project (dbSNP rs61730948).

Breakthrough Genomics
Classification: Benign. Review status: criteria provided, single submitter. Criteria: ACMG Guidelines, 2015. Collection method: not provided. Allele origin: germline. Inheritance: Autosomal recessive inheritance. Affected: yes.